The following is an entry in ClinVar:

NM_015599.3(PGM3):c.-2-185C>T

Gene: PGM3 (phosphoglucomutase 3; minus strand). Cytogenetic location: 6q14.1.
Variant type: single nucleotide variant.
Coding change: c.-2-185C>T on transcript NM_015599.3 (MANE Select); 185 bases into the intron before 2 bases upstream of the start codon, C replaced by T.
Molecular consequence: intron variant. On other transcripts: nonsense (2).
Genome position (GRCh38, 1-based): chr6:83,191,199, G>A on the plus strand (C>T on the coding strand, the complement: PGM3 is on the minus strand). VCF-style: chr6-83191199-G-A. GRCh37 (hg19) VCF-style: chr6-83900918-G-A.
Other names: c.70C>T, p.Gln24Ter (NM_001199917.2, NM_001367287.1); c.-40+1980C>T (NM_001199918.2); c.-2-185C>T (NM_001367286.1, NM_001199919.2); short protein forms Q24*.
Identifiers: ClinVar variation 1301339 (VCV001301339.6), dbSNP rs565900346, ClinGen allele CA141912071.

ClinVar aggregate classification (germline): Pathogenic/Likely pathogenic. Review status: criteria provided, multiple submitters, no conflicts (2 of 4 stars). 3 submissions from 3 submitters: Pathogenic (1); Likely pathogenic (2). Last evaluated 2025-03-04.

Conditions:
Immunodeficiency 23 (IMD23). Also called: IMMUNODEFICIENCY WITH HYPER IgE AND COGNITIVE IMPAIRMENT; IMMUNODEFICIENCY-VASCULITIS-MYOCLONUS SYNDROME. Identifiers: Orphanet 443811, MedGen C4014371, MONDO:0014353, OMIM 615816.
Severe combined immunodeficiency disease. Also called: Severe combined immunodeficiency; Severe Combined Immune Deficiency. Identifiers: Orphanet 183660, MedGen C0085110, MeSH D016511, MONDO:0015974, HP:0004430. Inheritance: X-Linked or Autosomal recessive.

Allele frequency attached by ClinVar (database versions not stated): gnomAD 0.00001; gnomAD exomes 0.00001; 1000 Genomes Project 30x 0.00016; 1000 Genomes Project 0.00020.
gnomAD v4.1: 7 of 1,533,854 alleles (0.00046%); highest among the groups gnomAD compares: South Asian, 0.0083%; no homozygotes.

Submissions (3):

Center for Genomic Medicine, Rigshospitalet, Copenhagen University Hospital
Classification: Likely pathogenic. Last evaluated: 2025-03-04. Review status: criteria provided, single submitter. Criteria: ACMG Guidelines, 2015. Collection method: clinical testing. Allele origin: germline.

Labcorp Genetics (formerly Invitae), Labcorp
Classification: Pathogenic for Immunodeficiency 23. Last evaluated: 2023-06-09. Review status: criteria provided, single submitter. Criteria: Invitae Variant Classification Sherloc (09022015). Collection method: clinical testing. Allele origin: germline.
Comment: This sequence change creates a premature translational stop signal (p.Gln24*) in the PGM3 gene. It is expected to result in an absent or disrupted protein product. Loss-of-function variants in PGM3 are known to be pathogenic (PMID: 17548465, 24589341, 24931394). This variant is not present in population databases (gnomAD no frequency). This variant has not been reported in the literature in individuals affected with PGM3-related conditions. ClinVar contains an entry for this variant (Variation ID: 1301339). Algorithms developed to predict the effect of sequence changes on RNA splicing suggest that this variant may disrupt the consensus splice site. For these reasons, this variant has been classified as Pathogenic.

Women's Health and Genetics/Laboratory Corporation of America, LabCorp
Classification: Likely pathogenic for Severe combined immunodeficiency disease. Last evaluated: 2021-09-02. Review status: criteria provided, single submitter. Criteria: LabCorp Variant Classification Summary - May 2015. Collection method: clinical testing. Allele origin: germline.
Comment: Variant summary: PGM3 c.70C>T (p.Gln24X) results in a premature termination codon, predicted to cause a truncation of the encoded protein or absence of the protein due to nonsense mediated decay, which are commonly known mechanisms for disease. The variant was absent in 130570 control chromosomes. To our knowledge, no occurrence of c.70C>T in individuals affected with Severe Combined Immunodeficiency Syndrome and no experimental evidence demonstrating its impact on protein function have been reported. No clinical diagnostic laboratories have submitted clinical-significance assessments for this variant to ClinVar after 2014. However, a different variant upstream of this one, namely c.61C>T, translating to p.Gln21X (p.Gln21*) has been submitted with a clinical-significance assessment as pathogenic by one clinical diagnostic laboratory to ClinVar after2014. Additionally, at-least one truncation downstream of this position (c.394A>T, p.R132*) has been reported in the HGMD database. Based on the evidence outlined above, the variant was classified as likely pathogenic.

Literature cited by the submitters: PubMed 24698316 (cited by Center for Genomic Medicine, Rigshospitalet, Copenhagen University Hospital); PubMed 28704707 (cited by Center for Genomic Medicine, Rigshospitalet, Copenhagen University Hospital); PubMed 33098103 (cited by Center for Genomic Medicine, Rigshospitalet, Copenhagen University Hospital); PubMed 17548465 (cited by Labcorp Genetics (formerly Invitae), Labcorp); PubMed 24589341 (cited by Labcorp Genetics (formerly Invitae), Labcorp); PubMed 24931394 (cited by Labcorp Genetics (formerly Invitae), Labcorp).